The following is an entry in ClinVar:

NM_005488.3(TOM1):c.1349G>A (p.Arg450Gln)

Gene: TOM1 (target of myb1 membrane trafficking protein; plus strand). Cytogenetic location: 22q12.3.
Variant type: single nucleotide variant.
Coding change: c.1349G>A on transcript NM_005488.3 (MANE Select); coding-DNA position 1349, G replaced by A.
Protein change: p.Arg450Gln; replaces arginine 450 with glutamine.
Molecular consequence: missense variant. On other transcripts: non-coding transcript variant (3).
Genome position (GRCh38, 1-based): chr22:35,347,079, G>A. VCF-style: chr22-35347079-G-A. GRCh37 (hg19) VCF-style: chr22-35743072-G-A.
Other names: c.1253G>A, p.Arg418Gln (NM_001135729.2); c.1214G>A, p.Arg405Gln (NM_001135730.2); c.1352G>A, p.Arg451Gln (NM_001135732.2); short protein forms R451Q, R450Q, R405Q, R418Q.
Identifiers: ClinVar variation 3460031 (VCV003460031.3).

ClinVar aggregate classification (germline): Uncertain significance. Review status: criteria provided, multiple submitters, no conflicts (2 of 4 stars). 2 submissions from 2 submitters: Uncertain significance (2). Last evaluated 2024-11-27.

gnomAD v4.1: 31 of 1,609,492 alleles (0.0019%); highest among the groups gnomAD compares: East Asian, 0.009%; no homozygotes.

Submissions (2):

Dasa
Classification: Uncertain significance. Last evaluated: 2024-11-27. Review status: criteria provided, single submitter. Criteria: DASA Assertion Criteria. Collection method: clinical testing. Allele origin: germline.
Comment: NM_005488.3(TOM1):c.1349G>A (p.Arg450Gln) is a missense variant that results in the substitution of arginine with glutamine. This variant is rare in population databases. Computational prediction algorithms are consistent with a benign effect. The currently available literature and clinical evidence are not sufficient to establish a definitive association between this variant and the reported condition. Therefore, this variant is classified as a variant of uncertain significance.

Ambry Genetics
Classification: Uncertain significance. Last evaluated: 2024-11-10. Review status: criteria provided, single submitter. Criteria: Ambry Variant Classification Scheme 2023. Collection method: clinical testing. Allele origin: germline.